The following is an entry in ClinVar:

ClinVar aggregate classification (germline): Uncertain significance (1 of 4 stars; one submission).

Conditions:
Inborn genetic diseases. Identifiers: MedGen C0950123, MeSH D030342.

Allele frequency attached by ClinVar (database versions not stated): ExAC 0.00001; gnomAD 0.00001; 1000 Genomes Project 30x 0.00016; 1000 Genomes Project 0.00020.
gnomAD v4.1: 1 of 1,614,122 alleles (0.000062%); highest among the groups gnomAD compares: South Asian, 0.0011%; no homozygotes.

Submission:

Ambry Genetics
Classification: Uncertain significance for Inborn genetic diseases. Last evaluated: 2022-10-02. Review status: criteria provided, single submitter. Criteria: Ambry Variant Classification Scheme 2023. Collection method: clinical testing. Allele origin: germline.
Comment: The p.F508L variant (also known as c.1522T>C), located in coding exon 16 of the ERCC2 gene, results from a T to C substitution at nucleotide position 1522. The phenylalanine at codon 508 is replaced by leucine, an amino acid with highly similar properties. This amino acid position is conserved. In addition, this alteration is predicted to be deleterious by in silico analysis. Since supporting evidence is limited at this time, the clinical significance of this alteration remains unclear.

NM_000400.4(ERCC2):c.1522T>C (p.Phe508Leu)

Gene: ERCC2 (ERCC excision repair 2, TFIIH core complex helicase subunit; minus strand). Cytogenetic location: 19q13.32.
Variant type: single nucleotide variant.
Coding change: c.1522T>C on transcript NM_000400.4 (MANE Select); coding-DNA position 1522, T replaced by C.
Protein change: p.Phe508Leu; replaces phenylalanine 508 with leucine.
Molecular consequence: missense variant.
Genome position (GRCh38, 1-based): chr19:45,355,686, A>G on the plus strand (T>C on the coding strand, the complement: ERCC2 is on the minus strand). VCF-style: chr19-45355686-A-G. GRCh37 (hg19) VCF-style: chr19-45858944-A-G.
Other names: short protein forms F508L.
Identifiers: ClinVar variation 1774468 (VCV001774468.2), dbSNP rs575225436, ClinGen allele CA9513240.